The following is an entry in ClinVar:

NM_001127208.3(TET2):c.2400T>A (p.His800Gln)

Genes: TET2 (tet methylcytosine dioxygenase 2; plus strand), TET2-AS1 (TET2 antisense RNA 1; minus strand). Cytogenetic location: 4q24.
Variant type: single nucleotide variant.
Coding change: c.2400T>A on transcript NM_001127208.3 (MANE Select); coding-DNA position 2400, T replaced by A.
Protein change: p.His800Gln; replaces histidine 800 with glutamine.
Molecular consequence: missense variant.
Genome position (GRCh38, 1-based): chr4:105,236,342, T>A. VCF-style: chr4-105236342-T-A. GRCh37 (hg19) VCF-style: chr4-106157499-T-A.
Other names: c.2400T>A, p.His800Gln (NM_017628.4); short protein forms H800Q.
Identifiers: ClinVar variation 4182967 (VCV004182967.1).

ClinVar aggregate classification (germline): Uncertain significance (1 of 4 stars; one submission).

Submission:

Ambry Genetics
Classification: Uncertain significance. Last evaluated: 2025-07-15. Review status: criteria provided, single submitter. Criteria: Ambry Variant Classification Scheme 2023. Collection method: clinical testing. Allele origin: germline.
Comment: The p.H800Q variant (also known as c.2400T>A), located in coding exon 1 of the TET2 gene, results from a T to A substitution at nucleotide position 2400. The histidine at codon 800 is replaced by glutamine, an amino acid with highly similar properties. This amino acid position is conserved. In addition, this alteration is predicted to be tolerated by in silico analysis. Based on the available evidence, the clinical significance of this variant remains unclear.